The following is an entry in ClinVar:

ClinVar aggregate classification (germline): Uncertain significance (1 of 4 stars; one submission).

Conditions:
Severe combined immunodeficiency, autosomal recessive, T cell-negative, B cell-negative, NK cell-positive. Also called: SCID, T CELL-NEGATIVE, B CELL-NEGATIVE, NK CELL-POSITIVE; Severe combined immunodeficiency due to complete RAG1/2 deficiency; SCID, AR, T-cell negative, B-cell negative, NK cell-positive. Identifiers: Orphanet 331206, MedGen C1832322, MONDO:0011086, OMIM 601457.
Combined immunodeficiency with skin granulomas. Identifiers: Orphanet 157949, MedGen C2673536, MONDO:0009306, OMIM 233650.

Allele frequency attached by ClinVar (database versions not stated): gnomAD 0.00001.
gnomAD v4.1: 1 of 1,613,932 alleles (0.000062%); highest among the groups gnomAD compares: African/African-American, 0.0013%; no homozygotes.

Submission:

Labcorp Genetics (formerly Invitae), Labcorp
Classification: Uncertain significance for Combined immunodeficiency with skin granulomas; Severe combined immunodeficiency, autosomal recessive, T cell-negative, B cell-negative, NK cell-positive. Last evaluated: 2022-03-19. Review status: criteria provided, single submitter. Criteria: Invitae Variant Classification Sherloc (09022015). Collection method: clinical testing. Allele origin: germline.
Comment: In summary, the available evidence is currently insufficient to determine the role of this variant in disease. Therefore, it has been classified as a Variant of Uncertain Significance. This sequence change replaces lysine, which is basic and polar, with threonine, which is neutral and polar, at codon 926 of the RAG1 protein (p.Lys926Thr). This variant is present in population databases (no rsID available, gnomAD 0.01%). This variant has not been reported in the literature in individuals affected with RAG1-related conditions. ClinVar contains an entry for this variant (Variation ID: 1039775). Algorithms developed to predict the effect of missense changes on protein structure and function are either unavailable or do not agree on the potential impact of this missense change (SIFT: "Tolerated"; PolyPhen-2: "Probably Damaging"; Align-GVGD: "Class C0").

NM_000448.3(RAG1):c.2777A>C (p.Lys926Thr)

Gene: RAG1 (recombination activating 1; plus strand). Cytogenetic location: 11p12.
Variant type: single nucleotide variant.
Coding change: c.2777A>C on transcript NM_000448.3 (MANE Select); coding-DNA position 2777, A replaced by C.
Protein change: p.Lys926Thr; replaces lysine 926 with threonine.
Molecular consequence: missense variant.
Genome position (GRCh38, 1-based): chr11:36,576,081, A>C. VCF-style: chr11-36576081-A-C. GRCh37 (hg19) VCF-style: chr11-36597631-A-C.
Other names: c.2777A>C, p.Lys926Thr (NM_001377277.1, NM_001377278.1, NM_001377279.1 and 1 more transcripts); short protein forms K926T.
Identifiers: ClinVar variation 1039775 (VCV001039775.8), dbSNP rs1350887566, ClinGen allele CA380135273.